The following is an entry in ClinVar:

ClinVar aggregate classification (germline): Uncertain significance (1 of 4 stars; one submission).

Conditions:
Arrhythmogenic right ventricular dysplasia 8 (ARVD8). Also called: ARRHYTHMOGENIC RIGHT VENTRICULAR DYSPLASIA, FAMILIAL, 8; ARRHYTHMOGENIC RIGHT VENTRICULAR CARDIOMYOPATHY 8; Arrhythmogenic Right Ventricular Dysplasia/Cardiomyopathy 8. Identifiers: MedGen C1843896, MONDO:0011831, OMIM 607450.
Arrhythmogenic cardiomyopathy with wooly hair and keratoderma. Also called: Dilated cardiomyopathy with woolly hair and keratoderma; PALMOPLANTAR KERATODERMA WITH LEFT VENTRICULAR CARDIOMYOPATHY AND WOOLLY HAIR; Carvajal syndrome; Arrhythmogenic cardiomyopathy with woolly hair and keratoderma. Identifiers: Orphanet 65282, MedGen C1854063, MONDO:0011581, OMIM 605676.

Allele frequency attached by ClinVar (database versions not stated): TOPMed 0.00001.

Submission:

Labcorp Genetics (formerly Invitae), Labcorp
Classification: Uncertain significance for Arrhythmogenic cardiomyopathy with wooly hair and keratoderma; Arrhythmogenic right ventricular dysplasia 8. Last evaluated: 2025-05-19. Review status: criteria provided, single submitter. Criteria: Invitae Variant Classification Sherloc (09022015). Collection method: clinical testing. Allele origin: germline.
Comment: This sequence change replaces lysine, which is basic and polar, with glutamic acid, which is acidic and polar, at codon 1064 of the DSP protein (p.Lys1064Glu). This variant is not present in population databases (gnomAD no frequency). This variant has not been reported in the literature in individuals affected with DSP-related conditions. ClinVar contains an entry for this variant (Variation ID: 957282). An algorithm developed to predict the effect of missense changes on protein structure and function (PolyPhen-2) suggests that this variant is likely to be disruptive. In summary, the available evidence is currently insufficient to determine the role of this variant in disease. Therefore, it has been classified as a Variant of Uncertain Significance.

NM_004415.4(DSP):c.3190A>G (p.Lys1064Glu)

Gene: DSP (desmoplakin; plus strand). Cytogenetic location: 6p24.3.
Variant type: single nucleotide variant.
Coding change: c.3190A>G on transcript NM_004415.4 (MANE Select); coding-DNA position 3190, A replaced by G.
Protein change: p.Lys1064Glu; replaces lysine 1064 with glutamic acid.
Molecular consequence: missense variant.
Genome position (GRCh38, 1-based): chr6:7,579,380, A>G. VCF-style: chr6-7579380-A-G. GRCh37 (hg19) VCF-style: chr6-7579613-A-G.
Other names: c.3190A>G, p.Lys1064Glu (NM_001008844.3, NM_001319034.2); short protein forms K1064E.
Identifiers: ClinVar variation 957282 (VCV000957282.8), dbSNP rs1383448057, ClinGen allele CA362683256.
Genomic context (GRCh38, chr6:7,579,380, plus strand): 5'-GCCCGAGATGCCAACTCGGAAAACTGTAATAAGAACAAATTCCTGGATCAGAACCTGCAG[A>G]AATACCAGGCAGAGTGTTCCCAGTTCAAAGCGAAGCTTGCGAGCCTGGAGGAGCTGAAGA-3'
Protein context (NP_004406.2, residues 1054-1074): KNKFLDQNLQ[Lys1064Glu]YQAECSQFKA